The following is an entry in ClinVar:

NM_024079.5(ALG8):c.174+2del

Gene: ALG8 (ALG8 alpha-1,3-glucosyltransferase; minus strand). Cytogenetic location: 11q14.1.
Variant type: Deletion.
Coding change: c.174+2del on transcript NM_024079.5 (MANE Select); the canonical splice donor site of the intron after coding-DNA position 174, one base deleted (T; older notation c.174+2delT).
Molecular consequence: splice donor variant.
Genome position (GRCh38, 1-based): chr11:78,127,356, A deleted on the plus strand (T on the coding strand, the reverse complement: ALG8 is on the minus strand). VCF-style (leftmost placement, unchanged base first): chr11-78127355-TA-T. GRCh37 (hg19) VCF-style: chr11-77838401-TA-T.
Other names: c.174+2del (NM_001007027.3).
Identifiers: ClinVar variation 2118558 (VCV002118558.4), dbSNP rs2497144761, ClinGen allele CA2580084980.
Genomic context (GRCh38, chr11:78,127,355, plus strand): 5'-CAGTAATATTTACCTAGTTTATAGATGAATCTTAAAAAAAAAAAGGTGAAAATTAAAACT[TA>T]CCTCATAATACCACTGTGATATTGGCAAACTGTGAGTGATAGCAAGCCAGTTTCGGTGTA-3'

ClinVar aggregate classification (germline): Likely pathogenic (1 of 4 stars; one submission).

Conditions:
ALG8 congenital disorder of glycosylation. Also called: CDG Ih; ALG8-CDG; CONGENITAL DISORDER OF GLYCOSYLATION, TYPE Ih. Identifiers: Orphanet 79325, MedGen C2931002, MONDO:0011969, OMIM 608104.

Submission:

Labcorp Genetics (formerly Invitae), Labcorp
Classification: Likely pathogenic for ALG8 congenital disorder of glycosylation. Last evaluated: 2022-03-27. Review status: criteria provided, single submitter. Criteria: Invitae Variant Classification Sherloc (09022015). Collection method: clinical testing. Allele origin: germline.
Comment: In summary, the currently available evidence indicates that the variant is pathogenic, but additional data are needed to prove that conclusively. Therefore, this variant has been classified as Likely Pathogenic. Algorithms developed to predict the effect of sequence changes on RNA splicing suggest that this variant may disrupt the consensus splice site. This variant has not been reported in the literature in individuals affected with ALG8-related conditions. This variant is not present in population databases (gnomAD no frequency). This sequence change affects a splice site in intron 2 of the ALG8 gene. It is expected to disrupt RNA splicing. Variants that disrupt the donor or acceptor splice site typically lead to a loss of protein function (PMID: 16199547), and loss-of-function variants in ALG8 are known to be pathogenic (PMID: 19862844).

Literature cited by the submitters: PubMed 16199547; PubMed 19862844.